The following is an entry in ClinVar:

NM_001005273.3(CHD3):c.4634C>T (p.Ser1545Phe)

Gene: CHD3 (chromodomain helicase DNA binding protein 3; plus strand). Cytogenetic location: 17p13.1.
Variant type: single nucleotide variant.
Coding change: c.4634C>T on transcript NM_001005273.3 (MANE Select); coding-DNA position 4634, C replaced by T.
Protein change: p.Ser1545Phe; replaces serine 1545 with phenylalanine.
Molecular consequence: missense variant.
Genome position (GRCh38, 1-based): chr17:7,906,999, C>T. VCF-style: chr17-7906999-C-T. GRCh37 (hg19) VCF-style: chr17-7810317-C-T.
Other names: c.4811C>T, p.Ser1604Phe (NM_001005271.3, NM_001437504.1); c.4799C>T, p.Ser1600Phe (NM_001437507.1, NM_001437508.1, NM_001437509.1); c.4634C>T, p.Ser1545Phe (NM_005852.4); short protein forms S1545F, S1600F, S1604F.
Identifiers: ClinVar variation 5005845 (VCV005005845.2).

ClinVar aggregate classification (germline): Uncertain significance (1 of 4 stars; one submission).

Conditions:
Snijders Blok-Campeau syndrome. Also called: INTELLECTUAL DEVELOPMENTAL DISORDER WITH MACROCEPHALY, SPEECH DELAY, AND DYSMORPHIC FACIES. Identifiers: Orphanet 599082, MedGen C4748701, MONDO:0032600, OMIM 618205.

Submission:

Juno Genomics, Hangzhou Juno Genomics, Inc
Classification: Uncertain significance for Snijders Blok-Campeau syndrome. Review status: criteria provided, single submitter. Criteria: ACMG Guidelines, 2015. Collection method: clinical testing. Allele origin: germline.
Comment: Absent from controls (or at extremely low frequency if recessive) in Genome Aggregation Database.;Missense variant in a gene that has a low rate of benign missense variation.